The following is an entry in ClinVar:

NM_015692.5(CPAMD8):c.5488G>A (p.Ala1830Thr)

Gene: CPAMD8 (C3 and PZP like alpha-2-macroglobulin domain containing 8; minus strand). Cytogenetic location: 19p13.11.
Variant type: single nucleotide variant.
Coding change: c.5488G>A on transcript NM_015692.5 (MANE Select); coding-DNA position 5488, G replaced by A.
Protein change: p.Ala1830Thr; replaces alanine 1830 with threonine.
Molecular consequence: missense variant. On other transcripts: non-coding transcript variant (1).
Genome position (GRCh38, 1-based): chr19:16,893,278, C>T on the plus strand (G>A on the coding strand, the complement: CPAMD8 is on the minus strand). VCF-style: chr19-16893278-C-T. GRCh37 (hg19) VCF-style: chr19-17004089-C-T.
Other names: short protein forms A1830T.
Identifiers: ClinVar variation 4979166 (VCV004979166.1).

ClinVar aggregate classification (germline): Uncertain significance (1 of 4 stars; one submission).

Conditions:
CPAMD8-related disorder. Also called: CPAMD8-related condition.

gnomAD v4.1: 140 of 1,562,250 alleles (0.009%); highest among the groups gnomAD compares: Admixed American, 0.052%; no homozygotes.

Submission:

PreventionGenetics, part of Exact Sciences
Classification: Uncertain significance for CPAMD8-related condition. Last evaluated: 2026-03-07. Review status: criteria provided, single submitter. Criteria: ACMG Guidelines, 2015. Collection method: clinical testing. Allele origin: germline.
Comment: The CPAMD8 c.5629G>A variant is predicted to result in the amino acid substitution p.Ala1877Thr. To our knowledge, this variant has not been reported in the literature. This variant is reported in 0.047% of alleles in individuals of Latino descent in gnomAD. At this time, the clinical significance of this variant is uncertain due to the absence of conclusive functional and genetic evidence.